The following is an entry in ClinVar:

NM_006915.3(RP2):c.71C>T (p.Pro24Leu)

Genes: RP2 (RP2 activator of ARL3 GTPase; plus strand), LOC130068202 (ATAC-STARR-seq lymphoblastoid active region 29577; plus strand). Cytogenetic location: Xp11.3.
Variant type: single nucleotide variant.
Coding change: c.71C>T on transcript NM_006915.3 (MANE Select); coding-DNA position 71, C replaced by T.
Protein change: p.Pro24Leu; replaces proline 24 with leucine.
Molecular consequence: missense variant.
Genome position (GRCh38, 1-based): chrX:46,837,171, C>T. VCF-style: chrX-46837171-C-T. GRCh37 (hg19) VCF-style: chrX-46696606-C-T.
Other names: short protein forms P24L.
Identifiers: ClinVar variation 1478118 (VCV001478118.8), dbSNP rs2147074680, ClinGen allele CA413038295.

ClinVar aggregate classification (germline): Uncertain significance (1 of 4 stars; one submission).

Submission:

Labcorp Genetics (formerly Invitae), Labcorp
Classification: Uncertain significance. Last evaluated: 2022-10-24. Review status: criteria provided, single submitter. Criteria: Invitae Variant Classification Sherloc (09022015). Collection method: clinical testing. Allele origin: germline.
Comment: In summary, the available evidence is currently insufficient to determine the role of this variant in disease. Therefore, it has been classified as a Variant of Uncertain Significance. Advanced modeling of protein sequence and biophysical properties (such as structural, functional, and spatial information, amino acid conservation, physicochemical variation, residue mobility, and thermodynamic stability) has been performed at Invitae for this missense variant, however the output from this modeling did not meet the statistical confidence thresholds required to predict the impact of this variant on RP2 protein function. ClinVar contains an entry for this variant (Variation ID: 1478118). This variant has not been reported in the literature in individuals affected with RP2-related conditions. This variant is not present in population databases (gnomAD no frequency). This sequence change replaces proline, which is neutral and non-polar, with leucine, which is neutral and non-polar, at codon 24 of the RP2 protein (p.Pro24Leu).